The following is an entry in ClinVar:

NM_004304.5(ALK):c.4807C>A (p.His1603Asn)

Gene: ALK (ALK receptor tyrosine kinase; minus strand). Cytogenetic location: 2p23.2.
Variant type: single nucleotide variant.
Coding change: c.4807C>A on transcript NM_004304.5 (MANE Select); coding-DNA position 4807, C replaced by A.
Protein change: p.His1603Asn; replaces histidine 1603 with asparagine.
Molecular consequence: missense variant.
Genome position (GRCh38, 1-based): chr2:29,193,280, G>T on the plus strand (C>A on the coding strand, the complement: ALK is on the minus strand). VCF-style: chr2-29193280-G-T. GRCh37 (hg19) VCF-style: chr2-29416146-G-T.
Other names: c.1603C>A, p.His535Asn (NM_001353765.2); short protein forms H1603N, H535N.
Identifiers: ClinVar variation 4870563 (VCV004870563.1).
Genomic context (GRCh38, chr2:29,193,280, plus strand): 5'-GAGCTCAGGGCCCAGGCTGGTTCATGCTATTCTTGCTTTTCAGAATGGTATCCTCGTAAT[G>T]ACCAGCTCCAGGGGCAGTAGCGGCTTCTAAGGGCAAGCCCTGTTGCTGGTAGCCGTAATT-3'
Protein context (NP_004295.2, residues 1593-1613): LEAATAPGAG[His1603Asn]YEDTILKSKN

ClinVar aggregate classification (germline): Uncertain significance (1 of 4 stars; one submission).

Conditions:
Hereditary cancer-predisposing syndrome. Also called: Neoplastic Syndromes, Hereditary; Tumor predisposition; Hereditary Cancer Syndrome; Hereditary neoplastic syndrome. Identifiers: Orphanet 140162, MedGen C0027672, MeSH D009386, MONDO:0015356.

gnomAD v4.1: 2 of 1,614,122 alleles (0.00012%); highest among the groups gnomAD compares: South Asian, 0.0022%; no homozygotes.

Submission:

Ambry Genetics
Classification: Uncertain significance for Hereditary cancer-predisposing syndrome. Last evaluated: 2026-06-09. Review status: criteria provided, single submitter. Criteria: Ambry Variant Classification Scheme 2023. Collection method: clinical testing. Allele origin: germline.
Comment: The p.H1603N variant (also known as c.4807C>A), located in coding exon 29 of the ALK gene, results from a C to A substitution at nucleotide position 4807. The histidine at codon 1603 is replaced by asparagine, an amino acid with similar properties. This amino acid position is conserved. In addition, this alteration is predicted to be tolerated by in silico analysis. Based on the available evidence, the clinical significance of this variant remains unclear.